The following is an entry in ClinVar:

ClinVar aggregate classification (germline): Conflicting classifications of pathogenicity. Review status: criteria provided, conflicting classifications (1 of 4 stars). 4 submissions from 4 submitters: Uncertain significance (3); Likely benign (1). Last evaluated 2025-09-28.

Conditions:
Myosin storage myopathy (CMYO7A). Also called: MYOPATHY WITH LYSIS OF TYPE I MYOFIBRILS; MYOPATHY, HYALINE BODY, AUTOSOMAL DOMINANT; Scapuloperoneal myopathy, MYH7-related; MYH7-related late-onset scapuloperoneal muscular dystrophy; Congenital myopathy 7A, myosin storage, autosomal dominant; SCAPULOPERONEAL MUSCULAR DYSTROPHY. Identifiers: Orphanet 437572, Orphanet 636965, MedGen C1842160, MONDO:0008409, OMIM 608358.
Hypertrophic cardiomyopathy. Also called: HYPERTROPHIC MYOCARDIOPATHY. Identifiers: Orphanet 217569, MedGen C0007194, MeSH D002312, MONDO:0005045, HP:0001639.
Cardiomyopathy (CMYO). Also called: Cardiomyopathies. Identifiers: Orphanet 167848, MedGen C0878544, MONDO:0004994, HP:0001638. Inheritance: Various modes of inheritance.
Cardiovascular phenotype. Identifiers: MedGen CN230736.

Allele frequency attached by ClinVar (database versions not stated): gnomAD below 0.00001 and 0.00001; gnomAD exomes below 0.00001 and 0.00001; ExAC 0.00001.
gnomAD v4.1: 11 of 1,613,770 alleles (0.00068%); highest among the groups gnomAD compares: South Asian, 0.0099%; no homozygotes.

Submissions (4):

Labcorp Genetics (formerly Invitae), Labcorp
Classification: Uncertain significance for Hypertrophic cardiomyopathy. Last evaluated: 2025-09-28. Review status: criteria provided, single submitter. Criteria: Invitae Variant Classification Sherloc (09022015). Collection method: clinical testing. Allele origin: germline.
Comment: This sequence change replaces alanine, which is neutral and non-polar, with serine, which is neutral and polar, at codon 1241 of the MYH7 protein (p.Ala1241Ser). This variant is present in population databases (rs757538583, gnomAD 0.003%). This variant has not been reported in the literature in individuals affected with MYH7-related conditions. ClinVar contains an entry for this variant (Variation ID: 971327). Invitae Evidence Modeling of protein sequence and biophysical properties (such as structural, functional, and spatial information, amino acid conservation, physicochemical variation, residue mobility, and thermodynamic stability) indicates that this missense variant is not expected to disrupt MYH7 protein function with a negative predictive value of 95%. In summary, the available evidence is currently insufficient to determine the role of this variant in disease. Therefore, it has been classified as a Variant of Uncertain Significance.

Ambry Genetics
Classification: Likely benign for Cardiovascular phenotype. Last evaluated: 2024-10-11. Review status: criteria provided, single submitter. Criteria: Ambry Variant Classification Scheme 2023. Collection method: clinical testing. Allele origin: germline.

Color Diagnostics, LLC DBA Color Health
Classification: Uncertain significance for Cardiomyopathy. Last evaluated: 2022-08-04. Review status: criteria provided, single submitter. Criteria: ACMG Guidelines, 2015. Collection method: clinical testing. Allele origin: germline.
Comment: This missense variant replaces alanine with serine at codon 1241 of the MYH7 protein. Computational prediction suggests that this variant may not impact protein structure and function (internally defined REVEL score threshold <= 0.5, PMID: 27666373). To our knowledge, functional studies have not been reported for this variant. This variant has not been reported in individuals affected with cardiovascular disorders in the literature. This variant has been identified in 1/251294 chromosomes in the general population by the Genome Aggregation Database (gnomAD). The available evidence is insufficient to determine the role of this variant in disease conclusively. Therefore, this variant is classified as a Variant of Uncertain Significance.

Neuberg Centre For Genomic Medicine, NCGM
Classification: Uncertain significance for Myosin storage myopathy. Review status: criteria provided, single submitter. Criteria: ACMG Guidelines, 2015. Collection method: clinical testing. Allele origin: germline. Inheritance: Autosomal dominant inheritance. Affected: yes.
Comment: The missense variant p.A1241S in MYH7 (NM_000257.4) has been submitted to ClinVar as a Variant of Uncertain Significance, but no details are available for independent assessment. The p.A1241S variant has a gnomAD frequency of 0.0003979 % and is novel (not in any individuals) in 1000 Genomes. The amino acid Ala at position 1241 is changed to a Ser changing protein sequence and it might alter its composition and physico-chemical properties. The amino acid change p.Ala1241Ser in MYH7 is predicted as conserved by GERP++ and PhyloP across 100 vertebrates. For these reasons, this variant has been classified as Uncertain Significance.

Literature cited by the submitters: PubMed 35629155 (cited by Ambry Genetics).

NM_000257.4(MYH7):c.3721G>T (p.Ala1241Ser)

Gene: MYH7 (myosin heavy chain 7; minus strand). Cytogenetic location: 14q11.2.
Variant type: single nucleotide variant.
Coding change: c.3721G>T on transcript NM_000257.4 (MANE Select); coding-DNA position 3721, G replaced by T.
Protein change: p.Ala1241Ser; replaces alanine 1241 with serine.
Molecular consequence: missense variant.
Genome position (GRCh38, 1-based): chr14:23,419,850, C>A on the plus strand (G>T on the coding strand, the complement: MYH7 is on the minus strand). VCF-style: chr14-23419850-C-A. GRCh37 (hg19) VCF-style: chr14-23889059-C-A.
Other names: short protein forms A1241S.
Identifiers: ClinVar variation 971327 (VCV000971327.17), dbSNP rs757538583, ClinGen allele CA038346.